The following is an entry in ClinVar:

ClinVar aggregate classification (germline): Uncertain significance (1 of 4 stars; one submission).

gnomAD v4.1: 54 of 1,610,618 alleles (0.0034%); highest among the groups gnomAD compares: Non-Finnish European, 0.0042%; no homozygotes.

Submission:

GeneDx
Classification: Uncertain significance. Last evaluated: 2022-06-30. Review status: criteria provided, single submitter. Criteria: GeneDx Variant Classification Process June 2021. Collection method: clinical testing. Allele origin: germline. Affected: yes.
Comment: In silico analysis supports that this missense variant does not alter protein structure/function; Has not been previously published as pathogenic or benign to our knowledge; Variants in candidate genes are classified as variants of uncertain significance in accordance with ACMG guidelines (Richards et al., 2015)

NM_018897.3(DNAH7):c.5377T>G (p.Ser1793Ala)

Gene: DNAH7 (dynein axonemal heavy chain 7; minus strand). Cytogenetic location: 2q32.3.
Variant type: single nucleotide variant.
Coding change: c.5377T>G on transcript NM_018897.3 (MANE Select); coding-DNA position 5377, T replaced by G.
Protein change: p.Ser1793Ala; replaces serine 1793 with alanine.
Molecular consequence: missense variant.
Genome position (GRCh38, 1-based): chr2:195,888,287, A>C on the plus strand (T>G on the coding strand, the complement: DNAH7 is on the minus strand). VCF-style: chr2-195888287-A-C. GRCh37 (hg19) VCF-style: chr2-196753011-A-C.
Other names: short protein forms S1793A.
Identifiers: ClinVar variation 3342559 (VCV003342559.1).
Genomic context (GRCh38, chr2:195,888,287, plus strand): 5'-TTTTTAATCTTAAAATTCTCATTTCCCTTACCTTTGTATGCTTTCTAATAAATTCAACCG[A>C]AACAGGGACCATTCTGTCAAATAAGCCCATTATGAATTCCTTTTGAATAACACTGACTGA-3'
Protein context (NP_061720.2, residues 1783-1803): MGLFDRMVPV[Ser1793Ala]VEFIRKHTKE